The following is an entry in ClinVar:

ClinVar aggregate classification (germline): Likely benign (1 of 4 stars; one submission).

Conditions:
Malignant hyperthermia, susceptibility to, 1 (MHS1). Also called: Anesthesia related hyperthermia; Malignant hyperpyrexia; Fulminating hyperpyrexia; Pharmacogenic myopathy; RYR1-Related Malignant Hyperthermia Susceptibility; Malignant hyperthermia suceptibility 1. Identifiers: Orphanet 423, MedGen C2930980, MONDO:0007783, OMIM 145600.

Submission:

All of Us Research Program, National Institutes of Health
Classification: Likely benign for Malignant hyperthermia, susceptibility to, 1. Last evaluated: 2024-02-05. Review status: criteria provided, single submitter. Criteria: ACMG Guidelines, 2015. Collection method: clinical testing. Allele origin: germline. Inheritance: Autosomal dominant inheritance. Observed: 1 variant allele, 1 heterozygote.
Comment: This study involves interpretation of variants in research participants for the purpose of population health screening. Participant phenotype was not available at the time of variant classification. Additional details can be found in publication PMID: 35346344, PMCID: PMC8962531

NM_000540.3(RYR1):c.6987G>A (p.Glu2329=)

Gene: RYR1 (ryanodine receptor 1; plus strand). Cytogenetic location: 19q13.2.
Variant type: single nucleotide variant.
Coding change: c.6987G>A on transcript NM_000540.3 (MANE Select); coding-DNA position 6987, G replaced by A.
Protein change: p.Glu2329=; no amino-acid change (glutamic acid 2329 retained).
Molecular consequence: synonymous variant.
Genome position (GRCh38, 1-based): chr19:38,499,203, G>A. VCF-style: chr19-38499203-G-A. GRCh37 (hg19) VCF-style: chr19-38989843-G-A.
Other names: c.6987G>A, p.Glu2329= (NM_001042723.2).
Identifiers: ClinVar variation 3075418 (VCV003075418.1), dbSNP rs749270735, ClinGen allele CA507243219.
Genomic context (GRCh38, chr19:38,499,203, plus strand): 5'-CTGCCCCATGCTTGTGGCCAAAGGGTACCCAGACATTGGCTGGAACCCCTGTGGTGGAGA[G>A]CGCTACCTGGACTTCCTGCGCTTTGCTGTCTTCGTCAACGGTGAGGAGGGGGTGGCAGTG-3'
Protein context (NP_000531.2, residues 2319-2339): PDIGWNPCGG[Glu2329=]RYLDFLRFAV